The following is an entry in ClinVar:

ClinVar aggregate classification (germline): Pathogenic/Likely pathogenic. Review status: criteria provided, multiple submitters, no conflicts (2 of 4 stars). 2 submissions from 2 submitters: Pathogenic (1); Likely pathogenic (1). Last evaluated 2025-07-07.

Conditions:
Autosomal recessive nonsyndromic hearing loss 2. Also called: NEUROSENSORY NONSYNDROMIC RECESSIVE DEAFNESS 2; DEAFNESS, AUTOSOMAL RECESSIVE 2. Identifiers: Orphanet 90636, MedGen C1838701, MONDO:0010807, OMIM 600060.

Submissions (2):

Labcorp Genetics (formerly Invitae), Labcorp
Classification: Pathogenic. Last evaluated: 2025-07-07. Review status: criteria provided, single submitter. Criteria: Invitae Variant Classification Sherloc (09022015). Collection method: clinical testing. Allele origin: germline.
Comment: This sequence change replaces glutamic acid, which is acidic and polar, with lysine, which is basic and polar, at codon 442 of the MYO7A protein (p.Glu442Lys). This variant is not present in population databases (gnomAD no frequency). This missense change has been observed in individual(s) with Usher syndrome (internal data). ClinVar contains an entry for this variant (Variation ID: 2778153). Invitae Evidence Modeling of protein sequence and biophysical properties (such as structural, functional, and spatial information, amino acid conservation, physicochemical variation, residue mobility, and thermodynamic stability) indicates that this missense variant is expected to disrupt MYO7A protein function with a positive predictive value of 95%. For these reasons, this variant has been classified as Pathogenic.

Institute of Rare Diseases, West China Hospital, Sichuan University
Classification: Likely pathogenic for Autosomal recessive nonsyndromic hearing loss 2. Last evaluated: 2025-01-09. Review status: criteria provided, single submitter. Criteria: ClinGen HL ACMG Specifications v1. Collection method: research. Allele origin: germline. Affected: yes.
Comment: PM3;PM5;PM2_Supporting;PP3

NM_000260.4(MYO7A):c.1324G>A (p.Glu442Lys)

Gene: MYO7A (myosin VIIA; plus strand). Cytogenetic location: 11q13.5.
Variant type: single nucleotide variant.
Coding change: c.1324G>A on transcript NM_000260.4 (MANE Select); coding-DNA position 1324, G replaced by A.
Protein change: p.Glu442Lys; replaces glutamic acid 442 with lysine.
Molecular consequence: missense variant.
Genome position (GRCh38, 1-based): chr11:77,161,096, G>A. VCF-style: chr11-77161096-G-A. GRCh37 (hg19) VCF-style: chr11-76872142-G-A.
Other names: c.1324G>A, p.Glu442Lys (NM_001127180.2); c.1291G>A, p.Glu431Lys (NM_001369365.1); short protein forms E442K, E431K.
Identifiers: ClinVar variation 2778153 (VCV002778153.4), dbSNP rs267603200, ClinGen allele CA224830957.
Genomic context (GRCh38, chr11:77,161,096, plus strand): 5'-CCCTCCCAGGATGTGAAGAACTCTCGCAGGTCCATCGGCCTCCTGGACATCTTTGGGTTT[G>A]AGAACTTTGCTGTGAACAGGTACCGCGTGGGGCTCTGCTCATGGGAATTTCCTTCCCCAA-3'
Protein context (NP_000251.3, residues 432-452): SIGLLDIFGF[Glu442Lys]NFAVNSFEQL